The following is an entry in ClinVar:

ClinVar aggregate classification (germline): Pathogenic. Review status: criteria provided, multiple submitters, no conflicts (2 of 4 stars). 2 submissions from 2 submitters: Pathogenic (2). Last evaluated 2026-01-19.

Conditions:
Cardiovascular phenotype. Identifiers: MedGen CN230736.
Hereditary cancer-predisposing syndrome. Also called: Neoplastic Syndromes, Hereditary; Tumor predisposition; Hereditary neoplastic syndrome; Hereditary Cancer Syndrome. Identifiers: Orphanet 140162, MedGen C0027672, MeSH D009386, MONDO:0015356.
Neurofibromatosis, type 1 (NF1). Also called: VON RECKLINGHAUSEN DISEASE; Peripheral type neurofibromatosis; Neurofibromatosis, type I; NEUROFIBROMATOSIS, TYPE I, SOMATIC. Identifiers: Orphanet 636, MedGen C0027831, MONDO:0018975, OMIM 162200. Disease mechanism: loss of function.

Submissions (2):

Labcorp Genetics (formerly Invitae), Labcorp
Classification: Pathogenic for Neurofibromatosis, type 1. Last evaluated: 2026-01-19. Review status: criteria provided, single submitter. Criteria: Invitae Variant Classification Sherloc (09022015). Collection method: clinical testing. Allele origin: germline.
Comment: This sequence change creates a premature translational stop signal (p.Ser1030Hisfs*6) in the NF1 gene. It is expected to result in an absent or disrupted protein product. Loss-of-function variants in NF1 are known to be pathogenic (PMID: 10712197, 23913538). This variant is not present in population databases (gnomAD no frequency). This variant has not been reported in the literature in individuals affected with NF1-related conditions. ClinVar contains an entry for this variant (Variation ID: 3879049). For these reasons, this variant has been classified as Pathogenic.

Ambry Genetics
Classification: Pathogenic for Cardiovascular phenotype; Hereditary cancer-predisposing syndrome. Last evaluated: 2025-01-07. Review status: criteria provided, single submitter. Criteria: Ambry Variant Classification Scheme 2023. Collection method: clinical testing. Allele origin: germline.
Comment: The c.3088delT pathogenic mutation, located in coding exon 23 of the NF1 gene, results from a deletion of one nucleotide at nucleotide position 3088, causing a translational frameshift with a predicted alternate stop codon (p.S1030Hfs*6). This variant is considered to be rare based on population cohorts in the Genome Aggregation Database (gnomAD). This alteration is expected to result in loss of function by premature protein truncation or nonsense-mediated mRNA decay. As such, this alteration is interpreted as a disease-causing mutation.

Literature cited by the submitters: PubMed 10712197 (cited by Labcorp Genetics (formerly Invitae), Labcorp); PubMed 23913538 (cited by Labcorp Genetics (formerly Invitae), Labcorp).

NM_001042492.3(NF1):c.3088del (p.Ser1030fs)

Gene: NF1 (neurofibromin 1; plus strand). Cytogenetic location: 17q11.2.
Variant type: Deletion.
Coding change: c.3088del on transcript NM_001042492.3 (MANE Select); coding-DNA position 3088, one base deleted (T; older notation c.3088delT).
Protein change: p.Ser1030fs; shifts the reading frame from serine 1030.
Molecular consequence: frameshift variant.
Genome position (GRCh38, 1-based): chr17:31,230,357, T deleted. VCF-style (leftmost placement, unchanged base first): chr17-31230356-CT-C. GRCh37 (hg19) VCF-style: chr17-29557374-CT-C.
Other names: c.3088delT (NM_000267.3); c.3088delT, p.Ser1030Hisfs (NM_000267.4); short protein forms S1030fs.
Identifiers: ClinVar variation 3879049 (VCV003879049.2).
Genomic context (GRCh38, chr17:31,230,356, plus strand): 5'-TCAAATAAAAACGAAACTGTGTCAATTAGTTGAAGTAATGATGGCAAGGAGAGATGACCT[CT>C]CATTTTGCCAAGAGATGAAATTTAGGTGAGTTCTCAAAAGAGCAATGTAGGGTCTTGTAA-3'